The following is an entry in ClinVar:

ClinVar aggregate classification (germline): Pathogenic (1 of 4 stars; one submission).

Submission:

Labcorp Genetics (formerly Invitae), Labcorp
Classification: Pathogenic. Last evaluated: 2024-01-26. Review status: criteria provided, single submitter. Criteria: Invitae Variant Classification Sherloc (09022015). Collection method: clinical testing. Allele origin: germline.
Comment: This sequence change creates a premature translational stop signal (p.Lys8Serfs*82) in the SLC7A9 gene. It is expected to result in an absent or disrupted protein product. Loss-of-function variants in SLC7A9 are known to be pathogenic (PMID: 11157794, 16838140, 25296721). This variant is not present in population databases (gnomAD no frequency). This variant has not been reported in the literature in individuals affected with SLC7A9-related conditions. For these reasons, this variant has been classified as Pathogenic.

Literature cited by the submitters: PubMed 11157794; PubMed 16838140; PubMed 25296721.

NM_014270.5(SLC7A9):c.23del (p.Lys8fs)

Gene: SLC7A9 (solute carrier family 7 member 9; minus strand). Cytogenetic location: 19q13.11.
Variant type: Deletion.
Coding change: c.23del on transcript NM_014270.5 (MANE Select); coding-DNA position 23, one base deleted (A; older notation c.23delA).
Protein change: p.Lys8fs; shifts the reading frame from lysine 8.
Molecular consequence: frameshift variant.
Genome position (GRCh38, 1-based): chr19:32,868,512, T deleted on the plus strand (A on the coding strand, the reverse complement: SLC7A9 is on the minus strand); the first of 3 consecutive T bases (chr19:32,868,512-32,868,514); deleting any one gives the same sequence. VCF-style (leftmost placement, unchanged base first): chr19-32868511-CT-C. GRCh37 (hg19) VCF-style: chr19-33359417-CT-C.
Other names: c.23del, p.Lys8fs (NM_001126335.2, NM_001243036.2); short protein forms K8fs.
Identifiers: ClinVar variation 2762200 (VCV002762200.3), dbSNP rs2513617759, ClinGen allele CA2697553809.